The following is an entry in ClinVar:

NM_004958.4(MTOR):c.2504C>T (p.Ala835Val)

Gene: MTOR (mechanistic target of rapamycin kinase; minus strand). Cytogenetic location: 1p36.22.
Variant type: single nucleotide variant.
Coding change: c.2504C>T on transcript NM_004958.4 (MANE Select); coding-DNA position 2504, C replaced by T.
Protein change: p.Ala835Val; replaces alanine 835 with valine.
Molecular consequence: missense variant.
Genome position (GRCh38, 1-based): chr1:11,232,446, G>A on the plus strand (C>T on the coding strand, the complement: MTOR is on the minus strand). VCF-style: chr1-11232446-G-A. GRCh37 (hg19) VCF-style: chr1-11292503-G-A.
Other names: c.2504C>T, p.Ala835Val (NM_001386500.1); c.1256C>T, p.Ala419Val (NM_001386501.1); short protein forms A835V, A419V.
Identifiers: ClinVar variation 4998178 (VCV004998178.1).

ClinVar aggregate classification (germline): Uncertain significance (1 of 4 stars; one submission).

Conditions:
MTOR-related disorder. Also called: MTOR-related condition.

Submission:

PreventionGenetics, part of Exact Sciences
Classification: Uncertain significance for MTOR-related condition. Last evaluated: 2025-02-09. Review status: criteria provided, single submitter. Criteria: ACMG Guidelines, 2015. Collection method: clinical testing. Allele origin: germline.
Comment: The MTOR c.2504C>T variant is predicted to result in the amino acid substitution p.Ala835Val. To our knowledge, this variant has not been reported in the literature or in a large population database (gnomAD), indicating this variant is rare. At this time, the clinical significance of this variant is uncertain due to the absence of conclusive functional and genetic evidence.